The following is an entry in ClinVar:

NM_022552.5(DNMT3A):c.2598-1G>A

Gene: DNMT3A (DNA methyltransferase 3 alpha; minus strand). Cytogenetic location: 2p23.3.
Variant type: single nucleotide variant.
Coding change: c.2598-1G>A on transcript NM_022552.5 (MANE Select); the canonical splice acceptor site of the intron before coding-DNA position 2598, G replaced by A.
Molecular consequence: splice acceptor variant.
Genome position (GRCh38, 1-based): chr2:25,234,421, C>T on the plus strand (G>A on the coding strand, the complement: DNMT3A is on the minus strand). VCF-style: chr2-25234421-C-T. GRCh37 (hg19) VCF-style: chr2-25457290-C-T.
Other names: c.2598-1G>A (NM_175629.2); c.2031-1G>A (NM_153759.3); c.2142-1G>A (NM_001320893.1); c.1929-1G>A (NM_001375819.1).
Identifiers: ClinVar variation 3700987 (VCV003700987.3).

ClinVar aggregate classification (germline): Uncertain significance (1 of 4 stars; one submission).

Conditions:
Tatton-Brown-Rahman overgrowth syndrome. Also called: Tatton-Brown-Rahman syndrome; Tall stature-intellectual disability-facial dysmorphism syndrome. Identifiers: Orphanet 404443, MedGen C4014545, MONDO:0014382, OMIM 615879.

Submissions (2):

Labcorp Genetics (formerly Invitae), Labcorp
Classification: Uncertain significance for Tatton-Brown-Rahman overgrowth syndrome. Last evaluated: 2024-08-12. Review status: criteria provided, single submitter. Criteria: Invitae Variant Classification Sherloc (09022015). Collection method: clinical testing. Allele origin: germline.
Comment: This sequence change affects an acceptor splice site in intron 22 of the DNMT3A gene. While this variant is not anticipated to result in nonsense mediated decay, it likely alters RNA splicing and results in a disrupted protein product. This variant is present in population databases (no rsID available, gnomAD 0.0009%). This variant has not been reported in the literature in individuals affected with DNMT3A-related conditions. Variants that disrupt the consensus splice site are a relatively common cause of aberrant splicing (PMID: 17576681, 9536098). Algorithms developed to predict the effect of sequence changes on RNA splicing suggest that this variant may disrupt the consensus splice site. In summary, the available evidence is currently insufficient to determine the role of this variant in disease. Therefore, it has been classified as a Variant of Uncertain Significance.

Dr. Peter K. Rogan Lab, Western University
No classification provided (evidence only). Condition: Melanoma. Review status: no classification provided. Collection method: in vitro. Allele origin: not applicable. Functional consequence: retained intron. Not counted in ClinVar's aggregate classification.

Literature cited by the submitters: PubMed 17576681 (cited by Labcorp Genetics (formerly Invitae), Labcorp); PubMed 9536098 (cited by Labcorp Genetics (formerly Invitae), Labcorp).